The following is an entry in ClinVar:

NM_020771.4(HACE1):c.2627+6T>G

Gene: HACE1 (HECT domain and ankyrin repeat containing E3 ubiquitin protein ligase 1; minus strand). Cytogenetic location: 6q16.3.
Variant type: single nucleotide variant.
Coding change: c.2627+6T>G on transcript NM_020771.4 (MANE Select); 6 bases into the intron after coding-DNA position 2627, T replaced by G.
Molecular consequence: intron variant.
Genome position (GRCh38, 1-based): chr6:104,730,297, A>C on the plus strand (T>G on the coding strand, the complement: HACE1 is on the minus strand). VCF-style: chr6-104730297-A-C. GRCh37 (hg19) VCF-style: chr6-105178172-A-C.
Other names: c.2336+6T>G (NM_001350555.2); c.1844+6T>G (NM_001350560.2); c.2123+6T>G (NM_001350557.2, NM_001350558.2, NM_001321084.2); c.2141+6T>G (NM_001350556.2); c.2045+6T>G (NM_001350559.2); c.2495+6T>G (NM_001321080.2); c.2393+6T>G (NM_001350554.2); c.2525+6T>G (NM_001321083.2).
Identifiers: ClinVar variation 1307512 (VCV001307512.2), dbSNP rs2114340405, ClinGen allele CA2573052556.
Genomic context (GRCh38, chr6:104,730,297, plus strand): 5'-ATCTCTGATCATTCAAAATTAATCAAAACAATTTGTAAAGCATTTAAATAAACCAAGTCA[A>C]CATACCATGTGCTTGAAGTTGGTAAAAGATTTGGAGTATATGGCACAGCAGCGATTGTAA-3'

ClinVar aggregate classification (germline): Uncertain significance (1 of 4 stars; one submission).

Submission:

GeneDx
Classification: Uncertain significance. Last evaluated: 2019-08-07. Review status: criteria provided, single submitter. Criteria: GeneDx Variant Classification Process June 2021. Collection method: clinical testing. Allele origin: germline. Affected: yes.
Comment: Not observed in large population cohorts (Lek et al., 2016); Has not been previously published as pathogenic or benign to our knowledge; In-silico analysis, which includes splice predictors and evolutionary conservation, is inconclusive as to whether the variant alters gene splicing. In the absence of RNA/functional studies, the actual effect of this sequence change is unknown.